The following is an entry in ClinVar:

NM_000404.4(GLB1):c.1589G>A (p.Arg530His)

Gene: GLB1 (galactosidase beta 1; minus strand). Cytogenetic location: 3p22.3.
Variant type: single nucleotide variant.
Coding change: c.1589G>A on transcript NM_000404.4 (MANE Select); coding-DNA position 1589, G replaced by A.
Protein change: p.Arg530His; replaces arginine 530 with histidine.
Molecular consequence: missense variant.
Genome position (GRCh38, 1-based): chr3:33,014,201, C>T on the plus strand (G>A on the coding strand, the complement: GLB1 is on the minus strand). VCF-style: chr3-33014201-C-T. GRCh37 (hg19) VCF-style: chr3-33055693-C-T.
Other names: c.1499G>A, p.Arg500His (NM_001079811.3); c.1196G>A, p.Arg399His (NM_001135602.3); c.1733G>A, p.Arg578His (NM_001317040.2); short protein forms R399H, R500H, R530H, R578H.
Identifiers: ClinVar variation 1050609 (VCV001050609.1), dbSNP rs534898382, ClinGen allele CA72646376.

ClinVar aggregate classification (germline): Uncertain significance (0 of 4 stars; one submission).

Allele frequency attached by ClinVar (database versions not stated): gnomAD 0.00001; TOPMed 0.00001; 1000 Genomes Project 30x 0.00016; 1000 Genomes Project 0.00020.
gnomAD v4.1: 12 of 1,614,160 alleles (0.00074%); highest among the groups gnomAD compares: East Asian, 0.0022%; no homozygotes.

Submission:

Department of Pathology and Laboratory Medicine, Sinai Health System
Classification: Uncertain significance. Review status: no assertion criteria provided. Collection method: clinical testing. Allele origin: unknown. Affected: yes. Study: The Canadian Open Genetics Repository (COGR).
Comment: The GLB1 p.Arg399His variant was not identified in the literature nor was it identified in dbSNP, ClinVar or in the following control databases: the 1000 Genomes Project, the NHLBI GO Exome Sequencing Project, the Exome Aggregation Consortium (August 8th 2016), or the Genome Aggregation Database (March 6, 2019, v2.1.1). The p.Arg399 residue is not conserved in mammals and computational analyses (PolyPhen-2, SIFT, AlignGVGD, BLOSUM, MutationTaster) do not suggest a high likelihood of impact to the protein; however, this information is not predictive enough to rule out pathogenicity. The variant occurs outside of the splicing consensus sequence and in silico or computational prediction software programs (SpliceSiteFinder, MaxEntScan, NNSPLICE, GeneSplicer) do not predict a difference in splicing. In summary, based on the above information the clinical significance of this variant cannot be determined with certainty at this time. This variant is classified as a variant of uncertain significance.